The following is an entry in ClinVar:

ClinVar aggregate classification (germline): Uncertain significance (0 of 4 stars; one submission).

Submission:

Department of Pathology and Laboratory Medicine, Sinai Health System
Classification: Uncertain significance. Review status: no assertion criteria provided. Collection method: clinical testing. Allele origin: unknown. Affected: yes. Study: The Canadian Open Genetics Repository (COGR).
Comment: The TBX6 p.Ala333Thr variant was not identified in the literature nor was it identified in dbSNP, ClinVar, Cosmic, MutDB or LOVD 3.0. The variant was also not identified in the following control databases: the 1000 Genomes Project, the NHLBI GO Exome Sequencing Project, the Exome Aggregation Consortium (August 8th 2016), or the Genome Aggregation Database (Feb 27, 2017). The c.997G>A variant occurs outside of the splicing consensus sequence and in silico or computational prediction software programs (SpliceSiteFinder, MaxEntScan, NNSPLICE, GeneSplicer) do not predict a difference in splicing. The p.Ala333 residue is not conserved in mammals and four out of five computational analyses (PolyPhen-2, SIFT, AlignGVGD, BLOSUM) do not suggest a high likelihood of impact to the protein, however this information is not predictive enough to rule out pathogenicity. In summary, based on the above information the clinical significance of this variant cannot be determined with certainty at this time. This variant is classified as a variant of uncertain significance.

NM_004608.4(TBX6):c.997G>A (p.Ala333Thr)

Gene: TBX6 (T-box transcription factor 6; minus strand). Cytogenetic location: 16p11.2.
Variant type: single nucleotide variant.
Coding change: c.997G>A on transcript NM_004608.4 (MANE Select); coding-DNA position 997, G replaced by A.
Protein change: p.Ala333Thr; replaces alanine 333 with threonine.
Molecular consequence: missense variant.
Genome position (GRCh38, 1-based): chr16:30,086,612, C>T on the plus strand (G>A on the coding strand, the complement: TBX6 is on the minus strand). VCF-style: chr16-30086612-C-T. GRCh37 (hg19) VCF-style: chr16-30097933-C-T.
Other names: short protein forms A333T.
Identifiers: ClinVar variation 1050215 (VCV001050215.1), dbSNP rs2151031237, ClinGen allele CA395513741.